The following is an entry in ClinVar:

NM_006623.4(PHGDH):c.460G>A (p.Gly154Ser)

Gene: PHGDH (phosphoglycerate dehydrogenase; plus strand). Cytogenetic location: 1p12.
Variant type: single nucleotide variant.
Coding change: c.460G>A on transcript NM_006623.4 (MANE Select); coding-DNA position 460, G replaced by A.
Protein change: p.Gly154Ser; replaces glycine 154 with serine.
Molecular consequence: missense variant.
Genome position (GRCh38, 1-based): chr1:119,727,052, G>A. VCF-style: chr1-119727052-G-A. GRCh37 (hg19) VCF-style: chr1-120269675-G-A.
Other names: short protein forms G154S.
Identifiers: ClinVar variation 1351825 (VCV001351825.5), dbSNP rs1056647813, ClinGen allele CA30250339.

ClinVar aggregate classification (germline): Uncertain significance (1 of 4 stars; one submission).

Conditions:
PHGDH deficiency. Identifiers: Orphanet 79351, MedGen C1866174, MONDO:0011152, OMIM 601815.

Allele frequency attached by ClinVar (database versions not stated): TOPMed 0.00001.

Submission:

Labcorp Genetics (formerly Invitae), Labcorp
Classification: Uncertain significance for PHGDH deficiency. Last evaluated: 2021-08-31. Review status: criteria provided, single submitter. Criteria: Invitae Variant Classification Sherloc (09022015). Collection method: clinical testing. Allele origin: germline.
Comment: This sequence change replaces glycine with serine at codon 154 of the PHGDH protein (p.Gly154Ser). The glycine residue is highly conserved and there is a small physicochemical difference between glycine and serine. This variant is not present in population databases (ExAC no frequency). This variant has not been reported in the literature in individuals affected with PHGDH-related conditions. Algorithms developed to predict the effect of missense changes on protein structure and function are either unavailable or do not agree on the potential impact of this missense change (SIFT: "Tolerated"; PolyPhen-2: "Possibly Damaging"; Align-GVGD: "Class C0"). In summary, the available evidence is currently insufficient to determine the role of this variant in disease. Therefore, it has been classified as a Variant of Uncertain Significance.